The following is an entry in ClinVar:

NM_016032.4(ZDHHC9):c.397A>C (p.Asn133His)

Gene: ZDHHC9 (zDHHC palmitoyltransferase 9; minus strand). Cytogenetic location: Xq26.1.
Variant type: single nucleotide variant.
Coding change: c.397A>C on transcript NM_016032.4 (MANE Select); coding-DNA position 397, A replaced by C.
Protein change: p.Asn133His; replaces asparagine 133 with histidine.
Molecular consequence: missense variant.
Genome position (GRCh38, 1-based): chrX:129,823,769, T>G on the plus strand (A>C on the coding strand, the complement: ZDHHC9 is on the minus strand). VCF-style: chrX-129823769-T-G. GRCh37 (hg19) VCF-style: chrX-128957745-T-G.
Other names: c.397A>C, p.Asn133His (NM_001008222.3); short protein forms N133H.
Identifiers: ClinVar variation 470199 (VCV000470199.8), dbSNP rs1556006445, ClinGen allele CA414590699.

ClinVar aggregate classification (germline): Uncertain significance (1 of 4 stars; one submission).

Conditions:
Intellectual developmental disorder, X-linked, syndromic, Raymond type. Also called: Syndromic X-linked intellectual disability Raymond type. Identifiers: MedGen C3275406, MONDO:0010427, OMIM 300799.

Submission:

Labcorp Genetics (formerly Invitae), Labcorp
Classification: Uncertain significance for Intellectual developmental disorder, X-linked, syndromic, Raymond type. Last evaluated: 2017-01-16. Review status: criteria provided, single submitter. Criteria: Invitae Variant Classification Sherloc (09022015). Collection method: clinical testing. Allele origin: germline.
Comment: This sequence change replaces asparagine with histidine at codon 133 of the ZDHHC9 protein (p.Asn133His). The asparagine residue is highly conserved and there is a small physicochemical difference between asparagine and histidine. This variant is not present in population databases (ExAC no frequency) and has not been reported in the literature in individuals with a ZDHHC9-related disease. Algorithms developed to predict the effect of missense changes on protein structure and function do not agree on the potential impact of this missense change (SIFT: "Tolerated"; PolyPhen-2: "Probably Damaging"; Align-GVGD: "Class C0"). In summary, this variant is a novel missense change with uncertain impact on protein function. It has been classified as a Variant of Uncertain Significance.